The following is an entry in ClinVar:

NM_022336.4(EDAR):c.757del (p.Asp253fs)

Genes: EDAR (ectodysplasin A receptor; minus strand), RANBP2 (RAN binding protein 2; plus strand). Cytogenetic location: 2q13.
Variant type: Deletion.
Coding change: c.757del on transcript NM_022336.4 (MANE Select); coding-DNA position 757, one base deleted (G; older notation c.757delG).
Protein change: p.Asp253fs; shifts the reading frame from aspartic acid 253.
Molecular consequence: frameshift variant.
Genome position (GRCh38, 1-based): chr2:108,910,506, C deleted on the plus strand (G on the coding strand, the reverse complement: EDAR is on the minus strand); the first of 2 consecutive C bases (chr2:108,910,506-108,910,507); deleting either gives the same sequence. VCF-style (leftmost placement, unchanged base first): chr2-108910505-TC-T. GRCh37 (hg19) VCF-style: chr2-109526961-TC-T.
Other names: short protein forms D253fs.
Identifiers: ClinVar variation 4789004 (VCV004789004.1).

ClinVar aggregate classification (germline): Pathogenic (1 of 4 stars; one submission).

Conditions:
Ectodermal dysplasia 10A, hypohidrotic/hair/nail type, autosomal dominant (ECTD10A). Also called: Ectodermal Dysplasia 3, Anhidrotic. Identifiers: Orphanet 1810, Orphanet 238468, MedGen C3888065, MONDO:0007509, OMIM 129490.
Autosomal recessive hypohidrotic ectodermal dysplasia syndrome. Also called: Autosomal recessive hypohidrotic ectodermal dysplasia. Identifiers: Orphanet 248, MedGen C0406702, MONDO:0016619.

Submission:

Labcorp Genetics (formerly Invitae), Labcorp
Classification: Pathogenic for Ectodermal dysplasia 10A, hypohidrotic/hair/nail type, autosomal dominant; Autosomal recessive hypohidrotic ectodermal dysplasia syndrome. Last evaluated: 2025-07-06. Review status: criteria provided, single submitter. Criteria: Invitae Variant Classification Sherloc (09022015). Collection method: clinical testing. Allele origin: germline.
Comment: This sequence change creates a premature translational stop signal (p.Asp253Metfs*6) in the EDAR gene. It is expected to result in an absent or disrupted protein product. Loss-of-function variants in EDAR are known to be pathogenic (PMID: 10431241, 10431242, 20979233, 28981473). This variant is not present in population databases (gnomAD no frequency). This variant has not been reported in the literature in individuals affected with EDAR-related conditions. For these reasons, this variant has been classified as Pathogenic.

Literature cited by the submitters: PubMed 10431241; PubMed 10431242; PubMed 20979233; PubMed 28981473.